The following is an entry in ClinVar:

ClinVar aggregate classification (germline): Uncertain significance. Review status: criteria provided, multiple submitters, no conflicts (2 of 4 stars). 2 submissions from 2 submitters: Uncertain significance (2). Last evaluated 2025-09-29.

Allele frequency attached by ClinVar (database versions not stated): gnomAD exomes below 0.00001; TOPMed 0.00002.

Submissions (2):

Mayo Clinic Laboratories, Mayo Clinic
Classification: Uncertain significance. Last evaluated: 2025-09-29. Review status: criteria provided, single submitter. Criteria: ACMG Guidelines, 2015. Collection method: clinical testing. Allele origin: germline. Observed: 2 variant alleles.
Comment: BP4, PM2_supporting

Labcorp Genetics (formerly Invitae), Labcorp
Classification: Uncertain significance. Last evaluated: 2022-06-08. Review status: criteria provided, single submitter. Criteria: Invitae Variant Classification Sherloc (09022015). Collection method: clinical testing. Allele origin: germline.
Comment: In summary, the available evidence is currently insufficient to determine the role of this variant in disease. Therefore, it has been classified as a Variant of Uncertain Significance. Algorithms developed to predict the effect of missense changes on protein structure and function output the following: SIFT: "Tolerated"; PolyPhen-2: "Benign"; Align-GVGD: "Class C0". The isoleucine amino acid residue is found in multiple mammalian species, which suggests that this missense change does not adversely affect protein function. ClinVar contains an entry for this variant (Variation ID: 1163746). This variant has not been reported in the literature in individuals affected with THBD-related conditions. This variant is present in population databases (rs777460052, gnomAD no frequency). This sequence change replaces leucine, which is neutral and non-polar, with isoleucine, which is neutral and non-polar, at codon 387 of the THBD protein (p.Leu387Ile).

NM_000361.3(THBD):c.1159C>A (p.Leu387Ile)

Gene: THBD (thrombomodulin; minus strand). Cytogenetic location: 20p11.21.
Variant type: single nucleotide variant.
Coding change: c.1159C>A on transcript NM_000361.3 (MANE Select); coding-DNA position 1159, C replaced by A.
Protein change: p.Leu387Ile; replaces leucine 387 with isoleucine.
Molecular consequence: missense variant.
Genome position (GRCh38, 1-based): chr20:23,048,346, G>T on the plus strand (C>A on the coding strand, the complement: THBD is on the minus strand). VCF-style: chr20-23048346-G-T. GRCh37 (hg19) VCF-style: chr20-23028983-G-T.
Other names: short protein forms L387I.
Identifiers: ClinVar variation 1163746 (VCV001163746.11), dbSNP rs777460052, ClinGen allele CA313550977.